The following is an entry in ClinVar:

ClinVar aggregate classification (germline): Uncertain significance (1 of 4 stars; one submission).

Conditions:
Rhabdoid tumor predisposition syndrome 2 (RTPS2). Identifiers: Orphanet 231108, Orphanet 69077, MedGen C2750074, MONDO:0013224, OMIM 613325.

Submission:

Labcorp Genetics (formerly Invitae), Labcorp
Classification: Uncertain significance for Rhabdoid tumor predisposition syndrome 2. Last evaluated: 2024-05-08. Review status: criteria provided, single submitter. Criteria: Invitae Variant Classification Sherloc (09022015). Collection method: clinical testing. Allele origin: germline.
Comment: This sequence change replaces valine, which is neutral and non-polar, with alanine, which is neutral and non-polar, at codon 268 of the SMARCA4 protein (p.Val268Ala). This variant is not present in population databases (gnomAD no frequency). This variant has not been reported in the literature in individuals affected with SMARCA4-related conditions. ClinVar contains an entry for this variant (Variation ID: 580479). Advanced modeling of protein sequence and biophysical properties (such as structural, functional, and spatial information, amino acid conservation, physicochemical variation, residue mobility, and thermodynamic stability) performed at Invitae indicates that this missense variant is not expected to disrupt SMARCA4 protein function with a negative predictive value of 95%. In summary, the available evidence is currently insufficient to determine the role of this variant in disease. Therefore, it has been classified as a Variant of Uncertain Significance.

NM_003072.5(SMARCA4):c.803T>C (p.Val268Ala)

Gene: SMARCA4 (SWI/SNF related BAF chromatin remodeling complex subunit ATPase 4; plus strand). Cytogenetic location: 19p13.2.
Variant type: single nucleotide variant.
Coding change: c.803T>C on transcript NM_003072.5 (MANE Select); coding-DNA position 803, T replaced by C.
Protein change: p.Val268Ala; replaces valine 268 with alanine.
Molecular consequence: missense variant. On other transcripts: non-coding transcript variant (1).
Genome position (GRCh38, 1-based): chr19:10,986,947, T>C. VCF-style: chr19-10986947-T-C. GRCh37 (hg19) VCF-style: chr19-11097623-T-C.
Other names: c.803T>C, p.Val268Ala (NM_001128844.3, NM_001128845.2, NM_001128846.2 and 5 more transcripts); short protein forms V268A.
Identifiers: ClinVar variation 580479 (VCV000580479.10), dbSNP rs1568424854, ClinGen allele CA404057981.